The following is an entry in ClinVar:

NM_001267550.2(TTN):c.27298G>C (p.Ala9100Pro)

Gene: TTN (titin; minus strand). Cytogenetic location: 2q31.2.
Variant type: single nucleotide variant.
Coding change: c.27298G>C on transcript NM_001267550.2 (MANE Select); coding-DNA position 27298, G replaced by C.
Protein change: p.Ala9100Pro; replaces alanine 9100 with proline.
Molecular consequence: missense variant. On other transcripts: intron variant (3).
Genome position (GRCh38, 1-based): chr2:178,712,727, C>G on the plus strand (G>C on the coding strand, the complement: TTN is on the minus strand). VCF-style: chr2-178712727-C-G. GRCh37 (hg19) VCF-style: chr2-179577454-C-G.
Other names: c.26347G>C, p.Ala8783Pro (NM_001256850.1); c.23566G>C, p.Ala7856Pro (NM_133378.4); c.13282+25355G>C (NM_003319.4); c.13858+25355G>C (NM_133437.4); c.13657+25355G>C (NM_133432.3); short protein forms A9100P, A8783P, A7856P.
Identifiers: ClinVar variation 3571660 (VCV003571660.1).

ClinVar aggregate classification (germline): Uncertain significance (1 of 4 stars; one submission).

Submission:

Athena Diagnostics
Classification: Uncertain significance. Last evaluated: 2024-03-08. Review status: criteria provided, single submitter. Criteria: Athena Diagnostics Criteria. Collection method: clinical testing. Allele origin: unknown.
Comment: Available data are insufficient to determine the clinical significance of the variant at this time. This variant has not been reported in large, multi-ethnic general populations. Computational tools predict that this variant is not damaging.